The following is an entry in ClinVar:

NM_001130144.3(LTBP3):c.2462G>A (p.Arg821Gln)

Gene: LTBP3 (latent transforming growth factor beta binding protein 3; minus strand). Cytogenetic location: 11q13.1.
Variant type: single nucleotide variant.
Coding change: c.2462G>A on transcript NM_001130144.3 (MANE Select); coding-DNA position 2462, G replaced by A.
Protein change: p.Arg821Gln; replaces arginine 821 with glutamine.
Molecular consequence: missense variant.
Genome position (GRCh38, 1-based): chr11:65,543,441, C>T on the plus strand (G>A on the coding strand, the complement: LTBP3 is on the minus strand). VCF-style: chr11-65543441-C-T. GRCh37 (hg19) VCF-style: chr11-65310912-C-T.
Other names: c.2111G>A, p.Arg704Gln (NM_001164266.1); c.2462G>A, p.Arg821Gln (NM_021070.4); c.2462G>A (NM_001130144.2); short protein forms R704Q, R821Q.
Identifiers: ClinVar variation 2917371 (VCV002917371.4), dbSNP rs747785206, ClinGen allele CA6100610.
Genomic context (GRCh38, chr11:65,543,441, plus strand): 5'-GGGGTAGGGAGGGACAGGTCAGCACCCCAGCTCTAAGATCCCTCACCCTCGCAGTGGCTC[C>T]GGTCCCTGGACAGATGGTAGCCAGAGAGGCACTGACACTGGAAAGATCCTGGCGTGTTGC-3'
Protein context (NP_001123616.1, residues 811-831): CLSGYHLSRD[Arg821Gln]SHCEDIDECD

ClinVar aggregate classification (germline): Uncertain significance. Review status: criteria provided, multiple submitters, no conflicts (2 of 4 stars). 2 submissions from 2 submitters: Uncertain significance (2). Last evaluated 2025-10-19.

Conditions:
Brachyolmia-amelogenesis imperfecta syndrome. Also called: PLATYSPONDYLY WITH AMELOGENESIS IMPERFECTA; Tooth agenesis, selective, 6; Dental anomalies and short stature. Identifiers: Orphanet 2899, MedGen C1832594, MONDO:0011018, OMIM 601216. Disease mechanism: loss of function.
Inborn genetic diseases. Identifiers: MedGen C0950123, MeSH D030342.

Allele frequency attached by ClinVar (database versions not stated): ExAC 0.00001; gnomAD 0.00001; gnomAD exomes 0.00002.
gnomAD v4.1: 32 of 1,613,976 alleles (0.002%); highest among the groups gnomAD compares: Non-Finnish European, 0.0025%; no homozygotes.

Submissions (2):

Labcorp Genetics (formerly Invitae), Labcorp
Classification: Uncertain significance for Brachyolmia-amelogenesis imperfecta syndrome. Last evaluated: 2025-10-19. Review status: criteria provided, single submitter. Criteria: Invitae Variant Classification Sherloc (09022015). Collection method: clinical testing. Allele origin: germline.
Comment: This sequence change replaces arginine, which is basic and polar, with glutamine, which is neutral and polar, at codon 821 of the LTBP3 protein (p.Arg821Gln). This variant is present in population databases (rs747785206, gnomAD 0.003%). This variant has not been reported in the literature in individuals affected with LTBP3-related conditions. ClinVar contains an entry for this variant (Variation ID: 2917371). An algorithm developed to predict the effect of missense changes on protein structure and function (PolyPhen-2) suggests that this variant is likely to be tolerated. In summary, the available evidence is currently insufficient to determine the role of this variant in disease. Therefore, it has been classified as a Variant of Uncertain Significance.

Ambry Genetics
Classification: Uncertain significance for Inborn genetic diseases. Last evaluated: 2025-04-19. Review status: criteria provided, single submitter. Criteria: Ambry Variant Classification Scheme 2023. Collection method: clinical testing. Allele origin: germline.